The following is an entry in ClinVar:

ClinVar aggregate classification (germline): Conflicting classifications of pathogenicity. Review status: criteria provided, conflicting classifications (1 of 4 stars). 3 submissions from 3 submitters: Uncertain significance (2); Likely benign (1). Last evaluated 2024-11-07.

Conditions:
Retinal dystrophy. Also called: Inherited retinal dystrophy. Identifiers: Orphanet 71862, MedGen C0854723, MeSH D058499, MONDO:0019118, HP:0000556.

Allele frequency attached by ClinVar (database versions not stated): ExAC 0.00001; gnomAD 0.00001; gnomAD exomes 0.00001 and 0.00002; TOPMed 0.00001.
gnomAD v4.1: 17 of 1,612,702 alleles (0.0011%); highest among the groups gnomAD compares: Middle Eastern, 0.016%; no homozygotes.

Submissions (3):

Blueprint Genetics
Classification: Uncertain significance. Last evaluated: 2024-11-07. Review status: criteria provided, single submitter. Criteria: ACMG Guidelines, 2015. Collection method: clinical testing. Allele origin: germline.

Dept Of Ophthalmology, Nagoya University
Classification: Likely benign for Retinal dystrophy. Last evaluated: 2023-10-01. Review status: criteria provided, single submitter. Criteria: Submitter's publication. Collection method: research. Allele origin: germline. Affected: yes.

Labcorp Genetics (formerly Invitae), Labcorp
Classification: Uncertain significance. Last evaluated: 2023-08-17. Review status: criteria provided, single submitter. Criteria: Invitae Variant Classification Sherloc (09022015). Collection method: clinical testing. Allele origin: germline.
Comment: In summary, the available evidence is currently insufficient to determine the role of this variant in disease. Therefore, it has been classified as a Variant of Uncertain Significance. This sequence change replaces arginine, which is basic and polar, with tryptophan, which is neutral and slightly polar, at codon 439 of the MAK protein (p.Arg439Trp). This variant is present in population databases (rs764870230, gnomAD 0.01%). This variant has not been reported in the literature in individuals affected with MAK-related conditions. ClinVar contains an entry for this variant (Variation ID: 1043812). Experimental studies and prediction algorithms are not available or were not evaluated, and the functional significance of this variant is currently unknown.

NM_001242957.3(MAK):c.1315C>T (p.Arg439Trp)

Gene: MAK (male germ cell associated kinase; minus strand). Cytogenetic location: 6p24.2.
Variant type: single nucleotide variant.
Coding change: c.1315C>T on transcript NM_001242957.3 (MANE Select); coding-DNA position 1315, C replaced by T.
Protein change: p.Arg439Trp; replaces arginine 439 with tryptophan.
Molecular consequence: missense variant. On other transcripts: non-coding transcript variant (2).
Genome position (GRCh38, 1-based): chr6:10,791,676, G>A on the plus strand (C>T on the coding strand, the complement: MAK is on the minus strand). VCF-style: chr6-10791676-G-A. GRCh37 (hg19) VCF-style: chr6-10791909-G-A.
Other names: c.1315C>T, p.Arg439Trp (NM_001242385.2, NM_005906.6); c.1213C>T, p.Arg405Trp (NM_001377262.1); short protein forms R405W, R439W.
Identifiers: ClinVar variation 1043812 (VCV001043812.10), dbSNP rs764870230, ClinGen allele CA3633494.